The following is an entry in ClinVar:

ClinVar aggregate classification (germline): Uncertain significance (1 of 4 stars; one submission).

Conditions:
Amyotrophic lateral sclerosis type 8 (ALS8). Identifiers: Orphanet 803, MedGen C1837728, MONDO:0012077, OMIM 608627.
Adult-onset proximal spinal muscular atrophy, autosomal dominant. Also called: Spinal muscular atrophy, late-onset, finkel type; FINKEL LATE-ADULT TYPE SMA. Identifiers: Orphanet 209335, MedGen C1854058, MONDO:0008453, OMIM 182980.

Allele frequency attached by ClinVar (database versions not stated): gnomAD exomes below 0.00001.
gnomAD v4.1: 1 of 1,589,748 alleles (0.000063%); highest among the groups gnomAD compares: Admixed American, 0.0017%; no homozygotes.

Submission:

Labcorp Genetics (formerly Invitae), Labcorp
Classification: Uncertain significance for Adult-onset proximal spinal muscular atrophy, autosomal dominant; Amyotrophic lateral sclerosis type 8. Last evaluated: 2023-07-14. Review status: criteria provided, single submitter. Criteria: Invitae Variant Classification Sherloc (09022015). Collection method: clinical testing. Allele origin: germline.
Comment: In summary, the available evidence is currently insufficient to determine the role of this variant in disease. Therefore, it has been classified as a Variant of Uncertain Significance. Advanced modeling of protein sequence and biophysical properties (such as structural, functional, and spatial information, amino acid conservation, physicochemical variation, residue mobility, and thermodynamic stability) performed at Invitae indicates that this missense variant is expected to disrupt VAPB protein function. This variant has not been reported in the literature in individuals affected with VAPB-related conditions. This variant is present in population databases (no rsID available, gnomAD 0.003%). This sequence change replaces alanine, which is neutral and non-polar, with serine, which is neutral and polar, at codon 95 of the VAPB protein (p.Ala95Ser).

NM_004738.5(VAPB):c.283G>T (p.Ala95Ser)

Gene: VAPB (VAMP associated protein B and C; plus strand). Cytogenetic location: 20q13.32.
Variant type: single nucleotide variant.
Coding change: c.283G>T on transcript NM_004738.5 (MANE Select); coding-DNA position 283, G replaced by T.
Protein change: p.Ala95Ser; replaces alanine 95 with serine.
Molecular consequence: missense variant. On other transcripts: intron variant (1).
Genome position (GRCh38, 1-based): chr20:58,434,673, G>T. VCF-style: chr20-58434673-G-T. GRCh37 (hg19) VCF-style: chr20-57009729-G-T.
Other names: c.212-9404G>T (NM_001195677.2); short protein forms A95S.
Identifiers: ClinVar variation 2940632 (VCV002940632.3), dbSNP rs1386657676, ClinGen allele CA409439213.